The following is an entry in ClinVar:

ClinVar aggregate classification (germline): Pathogenic. Review status: reviewed by expert panel (3 of 4 stars). 9 submissions from 9 submitters: Pathogenic (1). 8 of the submissions do not count toward it. Last evaluated 2024-01-24.

Conditions:
ATM-related cancer predisposition. Also called: ATM-related cancer susceptibility. Identifiers: MedGen CN377759, MONDO:0700270.
Hereditary cancer-predisposing syndrome. Also called: Hereditary Cancer Syndrome; Neoplastic Syndromes, Hereditary; Tumor predisposition; Hereditary neoplastic syndrome. Identifiers: Orphanet 140162, MedGen C0027672, MeSH D009386, MONDO:0015356.
Familial cancer of breast. Also called: BREAST CANCER, FAMILIAL; hereditary breast carcinoma; Hereditary breast cancer. Identifiers: Orphanet 227535, MedGen C0346153, MONDO:0016419, OMIM 114480. Disease mechanism: loss of function.
Ataxia-telangiectasia syndrome (AT). Also called: ATAXIA-TELANGIECTASIA, COMPLEMENTATION GROUP A; ATAXIA-TELANGIECTASIA, FRESNO VARIANT; Ataxia-telangiectasia; LOUIS-BAR SYNDROME; Ataxia telangiectasia (A-T); Ataxia-telangiectasia, complementation group D. Identifiers: Orphanet 100, MedGen C0004135, MONDO:0008840, OMIM 208900.

Submissions (9):

ClinGen Hereditary Breast, Ovarian and Pancreatic Cancer Variant Curation Expert Panel, ClinGen
Classification: Pathogenic for ATM-related cancer predisposition. Last evaluated: 2024-01-24. Review status: reviewed by expert panel. Criteria: ClinGen HBOP ACMG Specifications ATM V1.2.0. Collection method: curation. Allele origin: germline. Inheritance: Autosomal dominant inheritance.
Comment: The c.1158del p.Lys387Argfs*3 variant in ATM is a frameshift variant in a biologically-relevant-exon predicted to cause a premature stop codon leading to nonsense mediated decay in a gene in which loss-of-function is an established disease mechanism. This alteration results in a termination codon upstream of the most C-terminus pathogenic alteration (ATM p.Arg3047*), as classified by the HBOP VCEP, and is expected to be more deleterious. This variant is absent from gnomAD v2.1.1. This variant has been detected in at least 3 individuals with Ataxia-Telangiectasia (PMID: 10234507, 26896183, 19147735). In summary, this variant meets criteria to be classified as pathogenic for autosomal dominant hereditary breast cancer and autosomal recessive Ataxia-Telangiectasia based on the ACMG/AMP criteria applied, as specified by the HBOP VCEP (PVS1, PM2_Supporting, PM3, PM5_supporting).

Labcorp Genetics (formerly Invitae), Labcorp
Classification: Pathogenic for Ataxia-telangiectasia syndrome. Last evaluated: 2025-11-03. Review status: criteria provided, single submitter. Criteria: Invitae Variant Classification Sherloc (09022015). Collection method: clinical testing. Allele origin: germline. Not counted in ClinVar's aggregate classification.
Comment: This sequence change creates a premature translational stop signal (p.Lys387Argfs*3) in the ATM gene. It is expected to result in an absent or disrupted protein product. Loss-of-function variants in ATM are known to be pathogenic (PMID: 23807571, 25614872). This variant is not present in population databases (gnomAD no frequency). This premature translational stop signal has been observed in individual(s) with ataxia-telangiectasia (PMID: 10234507). In at least one individual the data is consistent with being in trans (on the opposite chromosome) from a pathogenic variant. ClinVar contains an entry for this variant (Variation ID: 141887). For these reasons, this variant has been classified as Pathogenic.

Ambry Genetics
Classification: Pathogenic for Hereditary cancer-predisposing syndrome. Last evaluated: 2025-01-13. Review status: criteria provided, single submitter. Criteria: Ambry Variant Classification Scheme 2023. Collection method: clinical testing. Allele origin: germline. Not counted in ClinVar's aggregate classification.
Comment: The c.1158delG pathogenic mutation, located in coding exon 8 of the ATM gene, results from a deletion of one nucleotide at nucleotide position 1158, causing a translational frameshift with a predicted alternate stop codon (p.K387Rfs*3). This mutation has been identified in trans with another ATM mutation in patients with ataxia-telangiectasia (Izatt L et al. Eur. J. Hum. Genet., 1999 Apr;7:310-20; Schon K et al. Ann Neurol, 2019 02;85:170-180). This variant is considered to be rare based on population cohorts in the Genome Aggregation Database (gnomAD). In addition to the clinical data presented in the literature, this alteration is expected to result in loss of function by premature protein truncation or nonsense-mediated mRNA decay. As such, this alteration is interpreted as a disease-causing mutation.

Myriad Genetics, Inc.
Classification: Pathogenic for Familial cancer of breast. Last evaluated: 2024-01-12. Review status: criteria provided, single submitter. Criteria: Myriad Autosomal Dominant, Autosomal Recessive and X-Linked Classification Criteria (2023). Collection method: clinical testing. Allele origin: unknown. Not counted in ClinVar's aggregate classification.
Comment: This variant is considered pathogenic. This variant creates a frameshift predicted to result in premature protein truncation.

Baylor Genetics
Classification: Pathogenic for Familial cancer of breast. Last evaluated: 2023-09-26. Review status: criteria provided, single submitter. Criteria: ACMG Guidelines, 2015. Collection method: clinical testing. Allele origin: unknown. Not counted in ClinVar's aggregate classification.

Color Diagnostics, LLC DBA Color Health
Classification: Pathogenic for Hereditary cancer-predisposing syndrome. Last evaluated: 2020-05-13. Review status: criteria provided, single submitter. Criteria: ACMG Guidelines, 2015. Collection method: clinical testing. Allele origin: germline. Not counted in ClinVar's aggregate classification.
Comment: This variant deletes 1 nucleotide in exon 9 of the ATM gene, creating a frameshift and premature translation stop signal. This variant is expected to result in an absent or non-functional protein product. Functional studies have shown that this variant impaired DNA repair response (PMID: 19147735). This variant has been reported in individuals affected with ataxia telangiectasia in compound heterozygous state. (PMID: 10234507, 15928302, 19147735). This variant has not been identified in the general population by the Genome Aggregation Database (gnomAD). Loss of ATM function is a known mechanism of disease. Based on the available evidence, this variant is classified as Pathogenic.

Women's Health and Genetics/Laboratory Corporation of America, LabCorp
Classification: Pathogenic for Ataxia-telangiectasia syndrome. Last evaluated: 2019-06-28. Review status: criteria provided, single submitter. Criteria: LabCorp Variant Classification Summary - May 2015. Collection method: clinical testing. Allele origin: germline. Not counted in ClinVar's aggregate classification.
Comment: Variant summary: ATM c.1158delG (p.Lys387ArgfsX3) results in a premature termination codon, predicted to cause a truncation of the encoded protein or absence of the protein due to nonsense mediated decay, which are commonly known mechanisms for disease. Truncations downstream of this position have been classified as pathogenic by our laboratory (c.1339C>T, p.Arg447X; c.1564_1565delGA, p.Glu522fsX43; c.2502dupA, p.Val835fsX7). The variant was absent in 251274 control chromosomes (gnomAD). The variant, c.1158delG, has been reported in the literature in multiple individuals affected with Ataxia-Telangiectasia (Izatt_1999, Thompson_2005, Nahas_2009, Schon_2019). These data indicate that the variant is likely to be associated with disease. To our knowledge, no experimental evidence demonstrating an impact on protein function has been reported. Three ClinVar submissions from other clinical diagnostic laboratories (evaluation after 2014) cite the variant as pathogenic. Based on the evidence outlined above, the variant was classified as pathogenic.

GeneDx
Classification: Pathogenic. Last evaluated: 2015-08-04. Review status: criteria provided, single submitter. Criteria: GeneDx Variant Classification (06012015). Collection method: clinical testing. Allele origin: germline. Affected: yes. Not counted in ClinVar's aggregate classification.
Comment: This deletion of one nucleotide in ATM is denoted c.1158delG at the cDNA level and p.Lys387ArgfsX3 (K387RfsX3) at the protein level. The normal sequence, with the base that is deleted in braces, is AAAG[G]AAGA. The deletion causes a frameshift, which changes a Lysine to an Arginine at codon 387, and creates a premature stop codon at position 3 of the new reading frame. This variant is predicted to cause loss of normal protein function through either protein truncation or nonsense-mediated mRNA decay. ATM c.1158delG has been reported in at least three patients with a clinical diagnosis of Ataxia telangiectasia (Izatt 1999, Thompson 2005). we consider this variant to be pathogenic. The presence of

Natera, Inc.
Classification: Pathogenic for Ataxia-telangiectasia. Last evaluated: 2020-09-16. Review status: no assertion criteria provided. Collection method: clinical testing. Allele origin: germline. Not counted in ClinVar's aggregate classification.

Literature cited by the submitters: PubMed 23807571 (cited by Labcorp Genetics (formerly Invitae), Labcorp); PubMed 25614872 (cited by Labcorp Genetics (formerly Invitae), Labcorp); PubMed 10234507 (cited by 3 submitters); PubMed 30549301 (cited by Ambry Genetics and Women's Health and Genetics/Laboratory Corporation of America, LabCorp); PubMed 15928302 (cited by Women's Health and Genetics/Laboratory Corporation of America, LabCorp); PubMed 28152038 (cited by Women's Health and Genetics/Laboratory Corporation of America, LabCorp); PubMed 19147735 (cited by Women's Health and Genetics/Laboratory Corporation of America, LabCorp).

NM_000051.4(ATM):c.1158del (p.Lys387fs)

Gene: ATM (ATM serine/threonine kinase; plus strand). Cytogenetic location: 11q22.3.
Variant type: Deletion.
Coding change: c.1158del on transcript NM_000051.4 (MANE Select); coding-DNA position 1158, one base deleted (G; older notation c.1158delG).
Protein change: p.Lys387fs; shifts the reading frame from lysine 387.
Molecular consequence: frameshift variant.
Genome position (GRCh38, 1-based): chr11:108,249,025, G deleted; the last of 2 consecutive G bases (chr11:108,249,024-108,249,025); deleting either gives the same sequence. VCF-style (leftmost placement, unchanged base first): chr11-108249023-AG-A. GRCh37 (hg19) VCF-style: chr11-108119750-AG-A.
Other names: NM_000051.4(ATM):c.1158del; p.Lys387fs; c.1158delG (NM_000051.3); c.1158del, p.Lys387fs (NM_001351834.2); short protein forms K387fs.
Identifiers: ClinVar variation 141887 (VCV000141887.24), dbSNP rs587782085, ClinGen allele CA166706.